The following is an entry in ClinVar:

NM_022167.4(XYLT2):c.1626C>T (p.Asp542=)

Gene: XYLT2 (xylosyltransferase 2; plus strand). Cytogenetic location: 17q21.33.
Variant type: single nucleotide variant.
Coding change: c.1626C>T on transcript NM_022167.4 (MANE Select); coding-DNA position 1626, C replaced by T.
Protein change: p.Asp542=; no amino-acid change (aspartic acid 542 retained).
Molecular consequence: synonymous variant.
Genome position (GRCh38, 1-based): chr17:50,356,654, C>T. VCF-style: chr17-50356654-C-T. GRCh37 (hg19) VCF-style: chr17-48434015-C-T.
Identifiers: ClinVar variation 713213 (VCV000713213.4), dbSNP rs766559599, ClinGen allele CA8646510.

ClinVar aggregate classification (germline): Likely benign. Review status: criteria provided, multiple submitters, no conflicts (2 of 4 stars). 2 submissions from 2 submitters: Likely benign (2). Last evaluated 2024-12-10.

Conditions:
XYLT2-related disorder. Also called: XYLT2-related condition.

Allele frequency attached by ClinVar (database versions not stated): gnomAD 0.00005 and 0.00006; gnomAD exomes 0.00005 and 0.00006; ExAC 0.00007; TOPMed 0.00011.
gnomAD v4.1: 88 of 1,613,928 alleles (0.0055%); highest among the groups gnomAD compares: Middle Eastern, 0.082%; no homozygotes.

Submissions (2):

PreventionGenetics, part of Exact Sciences
Classification: Likely benign for XYLT2-related condition. Last evaluated: 2024-12-10. Review status: criteria provided, single submitter. Criteria: ACMG Guidelines, 2015. Collection method: clinical testing. Allele origin: germline.
Comment: This variant is classified as likely benign based on ACMG/AMP sequence variant interpretation guidelines (Richards et al. 2015 PMID: 25741868, with internal and published modifications).

Labcorp Genetics (formerly Invitae), Labcorp
Classification: Likely benign. Last evaluated: 2018-02-22. Review status: criteria provided, single submitter. Criteria: Invitae Variant Classification Sherloc (09022015). Collection method: clinical testing. Allele origin: germline.